The following is an entry in ClinVar:

NM_000166.6(GJB1):c.3G>C (p.Met1Ile)

Gene: GJB1 (gap junction protein beta 1; plus strand). Cytogenetic location: Xq13.1.
Variant type: single nucleotide variant.
Coding change: c.3G>C on transcript NM_000166.6 (MANE Select); coding-DNA position 3, G replaced by C.
Protein change: p.Met1Ile; changes the start codon (methionine 1).
Molecular consequence: missense variant, initiator codon variant.
Genome position (GRCh38, 1-based): chrX:71,223,710, G>C. VCF-style: chrX-71223710-G-C. GRCh37 (hg19) VCF-style: chrX-70443560-G-C.
Other names: c.3G>C, p.Met1Ile (NM_001097642.3); short protein forms M1I.
Identifiers: ClinVar variation 2138604 (VCV002138604.5), dbSNP rs1602348524, ClinGen allele CA413499253.

ClinVar aggregate classification (germline): Pathogenic (1 of 4 stars; one submission).

Conditions:
Charcot-Marie-Tooth Neuropathy X. Identifiers: MedGen CN118851.

Submission:

Labcorp Genetics (formerly Invitae), Labcorp
Classification: Pathogenic for Charcot-Marie-Tooth Neuropathy X. Last evaluated: 2024-07-16. Review status: criteria provided, single submitter. Criteria: Invitae Variant Classification Sherloc (09022015). Collection method: clinical testing. Allele origin: germline.
Comment: This sequence change affects the initiator methionine of the GJB1 mRNA. The next in-frame methionine is located at codon 34. This variant is not present in population databases (gnomAD no frequency). Disruption of the initiator codon has been observed in individuals with GJB1-related conditions (PMID: 20039784, 24627108, 24958582, 25614874, 25771809; Invitae). It has also been observed to segregate with disease in related individuals. ClinVar contains an entry for this variant (Variation ID: 2138604). Algorithms developed to predict the effect of variants on gene product structure and function are not available or were not evaluated for this variant. Experimental studies have shown that disruption of the initiator codon affects GJB1 function (PMID: 25771809). For these reasons, this variant has been classified as Pathogenic.

Literature cited by the submitters: PubMed 20039784; PubMed 24627108; PubMed 24958582; PubMed 25614874; PubMed 25771809.